The following is an entry in ClinVar:

NM_019066.5(MAGEL2):c.1220C>A (p.Pro407Gln)

Gene: MAGEL2 (MAGE family member L2; minus strand). Cytogenetic location: 15q11.2.
Variant type: single nucleotide variant.
Coding change: c.1220C>A on transcript NM_019066.5 (MANE Select); coding-DNA position 1220, C replaced by A.
Protein change: p.Pro407Gln; replaces proline 407 with glutamine.
Molecular consequence: missense variant.
Genome position (GRCh38, 1-based): chr15:23,646,523, G>T on the plus strand (C>A on the coding strand, the complement: MAGEL2 is on the minus strand). VCF-style: chr15-23646523-G-T. GRCh37 (hg19) VCF-style: chr15-23891670-G-T.
Other names: short protein forms P407Q.
Identifiers: ClinVar variation 1723754 (VCV001723754.4), dbSNP rs964772041, ClinGen allele CA391334907.

ClinVar aggregate classification (germline): Uncertain significance. Review status: criteria provided, multiple submitters, no conflicts (2 of 4 stars). 2 submissions from 2 submitters: Uncertain significance (2). Last evaluated 2025-06-09.

gnomAD v4.1: 8 of 1,468,928 alleles (0.00054%); highest among the groups gnomAD compares: South Asian, 0.011%; 1 homozygote.

Submissions (2):

Labcorp Genetics (formerly Invitae), Labcorp
Classification: Uncertain significance. Last evaluated: 2025-06-09. Review status: criteria provided, single submitter. Criteria: Invitae Variant Classification Sherloc (09022015). Collection method: clinical testing. Allele origin: germline.
Comment: This sequence change replaces proline, which is neutral and non-polar, with glutamine, which is neutral and polar, at codon 407 of the MAGEL2 protein (p.Pro407Gln). This variant is not present in population databases (gnomAD no frequency). This variant has not been reported in the literature in individuals affected with MAGEL2-related conditions. ClinVar contains an entry for this variant (Variation ID: 1723754). An algorithm developed to predict the effect of missense changes on protein structure and function outputs the following: PolyPhen-2: "Not Available". The glutamine amino acid residue is found in multiple mammalian species, which suggests that this missense change does not adversely affect protein function. In summary, the available evidence is currently insufficient to determine the role of this variant in disease. Therefore, it has been classified as a Variant of Uncertain Significance.

GeneDx
Classification: Uncertain significance. Last evaluated: 2024-06-28. Review status: criteria provided, single submitter. Criteria: GeneDx Variant Classification Process June 2021. Collection method: clinical testing. Allele origin: germline. Affected: yes.
Comment: Not observed at significant frequency in large population cohorts (gnomAD); In silico analysis indicates that this missense variant does not alter protein structure/function; Has not been previously published as pathogenic or benign to our knowledge